The following is an entry in ClinVar:

ClinVar aggregate classification (germline): Uncertain significance. Review status: criteria provided, single submitter (1 of 4 stars). 2 submissions from 2 submitters: Uncertain significance (1). 1 of the submissions does not count toward it. Last evaluated 2018-06-12.

Conditions:
ABCB4-related disorder. Also called: ABCB4-related disorders; ABCB4-related condition.

Allele frequency attached by ClinVar (database versions not stated): ExAC 0.00002; gnomAD exomes 0.00002.
gnomAD v4.1: 5 of 1,614,122 alleles (0.00031%); highest among the groups gnomAD compares: Admixed American, 0.0083%; no homozygotes.

Submissions (2):

Eurofins Ntd Llc (ga)
Classification: Uncertain significance. Last evaluated: 2018-06-12. Review status: criteria provided, single submitter. Criteria: EGL ClinVar v180209 classification definitions. Collection method: clinical testing. Allele origin: germline. Observed: 1 variant allele, 1 heterozygote.

PreventionGenetics, part of Exact Sciences
Classification: Uncertain significance for ABCB4-related condition. Last evaluated: 2023-12-04. Review status: no assertion criteria provided. Collection method: clinical testing. Allele origin: germline. Not counted in ClinVar's aggregate classification.
Comment: The ABCB4 c.2435C>A variant is predicted to result in the amino acid substitution p.Ala812Glu. To our knowledge, this variant has not been reported in the literature. This variant is reported in 0.012% of alleles in individuals of Latino descent in gnomAD. At this time, the clinical significance of this variant is uncertain due to the absence of conclusive functional and genetic evidence.

NM_000443.4(ABCB4):c.2435C>A (p.Ala812Glu)

Gene: ABCB4 (ATP binding cassette subfamily B member 4; minus strand). Cytogenetic location: 7q21.12.
Variant type: single nucleotide variant.
Coding change: c.2435C>A on transcript NM_000443.4 (MANE Select); coding-DNA position 2435, C replaced by A.
Protein change: p.Ala812Glu; replaces alanine 812 with glutamic acid.
Molecular consequence: missense variant.
Genome position (GRCh38, 1-based): chr7:87,418,580, G>T on the plus strand (C>A on the coding strand, the complement: ABCB4 is on the minus strand). VCF-style: chr7-87418580-G-T. GRCh37 (hg19) VCF-style: chr7-87047896-G-T.
Other names: c.2435C>A, p.Ala812Glu (NM_018849.3, NM_018850.3); c.2435C>A (NM_000443.3); short protein forms A812E.
Identifiers: ClinVar variation 597589 (VCV000597589.7), dbSNP rs768524721, ClinGen allele CA4327011.